The following is an entry in ClinVar:

ClinVar aggregate classification (germline): Uncertain significance. Review status: criteria provided, multiple submitters, no conflicts (2 of 4 stars). 2 submissions from 2 submitters: Uncertain significance (2). Last evaluated 2024-03-18.

Conditions:
Neurofibromatosis, type 1 (NF1). Also called: Peripheral type neurofibromatosis; VON RECKLINGHAUSEN DISEASE; NEUROFIBROMATOSIS, TYPE I, SOMATIC; Neurofibromatosis, type I. Identifiers: Orphanet 636, MedGen C0027831, MONDO:0018975, OMIM 162200. Disease mechanism: loss of function.

Allele frequency attached by ClinVar (database versions not stated): gnomAD exomes below 0.00001.
gnomAD v4.1: 1 of 1,614,064 alleles (0.000062%); highest among the groups gnomAD compares: East Asian, 0.0022%; no homozygotes.

Submissions (2):

GeneDx
Classification: Uncertain significance. Last evaluated: 2024-03-18. Review status: criteria provided, single submitter. Criteria: GeneDx Variant Classification Process June 2021. Collection method: clinical testing. Allele origin: germline. Affected: yes.
Comment: Not observed at significant frequency in large population cohorts (gnomAD); In silico analysis supports that this missense variant does not alter protein structure/function; Has not been previously published as pathogenic or benign in association with neurofibromatosis type 1 to our knowledge; This variant is associated with the following publications: (PMID: 21520333, 30287823, 36243179)

Labcorp Genetics (formerly Invitae), Labcorp
Classification: Uncertain significance for Neurofibromatosis, type 1. Last evaluated: 2019-08-18. Review status: criteria provided, single submitter. Criteria: Invitae Variant Classification Sherloc (09022015). Collection method: clinical testing. Allele origin: germline.
Comment: In summary, the available evidence is currently insufficient to determine the role of this variant in disease. Therefore, it has been classified as a Variant of Uncertain Significance. Algorithms developed to predict the effect of missense changes on protein structure and function are either unavailable or do not agree on the potential impact of this missense change (SIFT: "Tolerated"; PolyPhen-2: "Possibly Damaging"; Align-GVGD: "Class C0"). This variant has been reported in individuals in the Leiden Open-source Variation Database (PMID: 21520333). This variant is not present in population databases (ExAC no frequency). This sequence change replaces alanine with proline at codon 2077 of the NF1 protein (p.Ala2077Pro). The alanine residue is moderately conserved and there is a small physicochemical difference between alanine and proline.

Literature cited by the submitters: PubMed 21520333 (cited by Labcorp Genetics (formerly Invitae), Labcorp).

NM_001042492.3(NF1):c.6292G>C (p.Ala2098Pro)

Gene: NF1 (neurofibromin 1; plus strand). Cytogenetic location: 17q11.2.
Variant type: single nucleotide variant.
Coding change: c.6292G>C on transcript NM_001042492.3 (MANE Select); coding-DNA position 6292, G replaced by C.
Protein change: p.Ala2098Pro; replaces alanine 2098 with proline.
Molecular consequence: missense variant.
Genome position (GRCh38, 1-based): chr17:31,336,779, G>C. VCF-style: chr17-31336779-G-C. GRCh37 (hg19) VCF-style: chr17-29663797-G-C.
Other names: c.6229G>C, p.Ala2077Pro (NM_000267.4); short protein forms A2077P, A2098P.
Identifiers: ClinVar variation 961157 (VCV000961157.7), dbSNP rs894460960, ClinGen allele CA399012224.